The following is an entry in ClinVar:

NM_000391.4(TPP1):c.1449dup (p.Ile484fs)

Gene: TPP1 (tripeptidyl peptidase 1; minus strand). Cytogenetic location: 11p15.4.
Variant type: Duplication.
Coding change: c.1449dup on transcript NM_000391.4 (MANE Select); coding-DNA position 1449, one base duplicated (G; older notation c.1449dupG).
Protein change: p.Ile484fs; shifts the reading frame from isoleucine 484.
Molecular consequence: frameshift variant.
Genome position (GRCh38, 1-based): chr11:6,614,968, C duplicated on the plus strand (G on the coding strand, the reverse complement: TPP1 is on the minus strand); the first of 6 consecutive C bases (chr11:6,614,968-6,614,973); duplicating any one gives the same sequence. VCF-style (leftmost placement, unchanged base first): chr11-6614967-T-TC. GRCh37 (hg19) VCF-style: chr11-6636198-T-TC.
Other names: short protein forms I484fs.
Identifiers: ClinVar variation 370140 (VCV000370140.11), dbSNP rs1057516264, ClinGen allele CA16041511.

ClinVar aggregate classification (germline): Pathogenic. Review status: criteria provided, single submitter (1 of 4 stars). 3 submissions from 3 submitters: Pathogenic (1). 2 of the submissions do not count toward it. Last evaluated 2022-07-19.

Conditions:
Neuronal ceroid lipofuscinosis 2. Also called: TPP1-Related Neuronal Ceroid-Lipofuscinosis; JANSKY-BIELSCHOWSKY DISEASE NEURONAL CEROID LIPOFUSCINOSIS, LATE INFANTILE. Identifiers: Orphanet 168491, Orphanet 228349, Orphanet 79264, MedGen C1876161, MONDO:0008769, OMIM 204500.

Submissions (3):

Labcorp Genetics (formerly Invitae), Labcorp
Classification: Pathogenic. Last evaluated: 2022-07-19. Review status: criteria provided, single submitter. Criteria: Invitae Variant Classification Sherloc (09022015). Collection method: clinical testing. Allele origin: germline.
Comment: This variant is present in population databases (no rsID available, gnomAD 0.0009%). This sequence change creates a premature translational stop signal (p.Ile484Aspfs*7) in the TPP1 gene. It is expected to result in an absent or disrupted protein product. Loss-of-function variants in TPP1 are known to be pathogenic (PMID: 10330339). This premature translational stop signal has been observed in individual(s) with neuronal ceroid lipofuscinoses (PMID: 30541466). For these reasons, this variant has been classified as Pathogenic. ClinVar contains an entry for this variant (Variation ID: 370140).

Foundation for Research in Genetics and Endocrinology, FRIGE's Institute of Human Genetics
Classification: Likely pathogenic for Neuronal ceroid lipofuscinosis 2. Last evaluated: 2016-03-16. Review status: no assertion criteria provided. Collection method: clinical testing. Allele origin: germline. Inheritance: Autosomal recessive inheritance. Affected: yes. Observed: 1 variant allele, 1 compound heterozygote. Not counted in ClinVar's aggregate classification.
Comment: The observed variant NM_000391.3:c.1449_1450insG (p.Ile484AspfsTer7) was neither found in 1000 Genomes nor in ExAC databases. The in silico prediction of the given variant is disease causing by MutationTaster2. The above mentioned variant was identified as compound heterozygous along with another variant NM_000391.3:c.689_689delT (p.Phe230SerfsTer28). The variant c.689_689delT (p.Phe230SerfsTer28) was neither found in 1000 Genomes nor in ExAC databases. The in silico prediction of the given variant is disease causing by MutationTaster2.

Counsyl
Classification: Likely pathogenic for Neuronal ceroid lipofuscinosis 2. Last evaluated: 2015-11-24. Review status: no assertion criteria provided. Collection method: clinical testing. Allele origin: unknown. Not counted in ClinVar's aggregate classification.

Literature cited by the submitters: PubMed 10330339 (cited by Labcorp Genetics (formerly Invitae), Labcorp); PubMed 30541466 (cited by Labcorp Genetics (formerly Invitae), Labcorp).